The following is an entry in ClinVar:

ClinVar aggregate classification (germline): Conflicting classifications of pathogenicity. Review status: criteria provided, conflicting classifications (1 of 4 stars). 7 submissions from 3 submitters: Pathogenic (1); Likely pathogenic (1); Uncertain significance (5). Last evaluated 2025-12-18.

Conditions:
Childhood onset GLUT1 deficiency syndrome 2. Also called: Paroxysmal exercise-induced dystonia; GLUT1 deficiency syndrome 2; PAROXYSMAL EXERCISE-INDUCED DYSKINESIA WITH OR WITHOUT EPILEPSY AND/OR HEMOLYTIC ANEMIA; PAROXYSMAL EXERTION-INDUCED DYSTONIA WITH OR WITHOUT EPILEPSY AND/OR HEMOLYTIC ANEMIA; PED WITH OR WITHOUT EPILEPSY AND/OR HEMOLYTIC ANEMIA; PxMD-SLC2A1. Identifiers: Orphanet 98811, MedGen C1842534, MONDO:0012805, OMIM 612126.
Encephalopathy due to GLUT1 deficiency. Also called: De Vivo disease; GLUT1 deficiency syndrome 1; GLUT1 deficiency syndrome 1, infantile onset, severe; Classic Glucose Transporter Type 1 Deficiency Syndrome; GLUCOSE TRANSPORT DEFECT, BLOOD-BRAIN BARRIER; Glucose transporter protein syndrome. Identifiers: Orphanet 71277, MedGen C4551966, MONDO:0011724, OMIM 606777.
Epilepsy, idiopathic generalized, susceptibility to, 12 (EIG12). Identifiers: MedGen C3553859, MONDO:0013919, OMIM 614847.
Dystonia 9 (DYT9). Also called: CHOREOATHETOSIS, KINESIGENIC, WITH EPISODIC ATAXIA AND SPASTICITY. Identifiers: Orphanet 53583, MedGen C1832855, MONDO:0010983, OMIM 601042.
GLUT1 deficiency syndrome 1, autosomal recessive. Identifiers: MedGen C3149117.
Hereditary cryohydrocytosis with reduced stomatin. Also called: Stomatin-deficient cryohydrocytosis with neurologic defects; GLUT1 DEFICIENCY SYNDROME WITH PSEUDOHYPERKALEMIA AND HEMOLYSIS. Identifiers: Orphanet 168577, MedGen C1837206, MONDO:0012143, OMIM 608885.

Allele frequency attached by ClinVar (database versions not stated): gnomAD exomes below 0.00001.
gnomAD v4.1: 1 of 1,614,068 alleles (0.000062%); highest among the groups gnomAD compares: Non-Finnish European, 0.000085%; no homozygotes.

Submissions (7):

GeneDx
Classification: Likely pathogenic. Last evaluated: 2025-12-18. Review status: criteria provided, single submitter. Criteria: GeneDx Variant Classification Process June 2021. Collection method: clinical testing. Allele origin: germline. Affected: yes.
Comment: Not observed at significant frequency in large population cohorts (gnomAD); In silico analysis supports that this missense variant has a deleterious effect on protein structure/function; Has not been previously published as pathogenic or benign to our knowledge

Labcorp Genetics (formerly Invitae), Labcorp
Classification: Pathogenic for GLUT1 deficiency syndrome 1, autosomal recessive. Last evaluated: 2025-02-12. Review status: criteria provided, single submitter. Criteria: Invitae Variant Classification Sherloc (09022015). Collection method: clinical testing. Allele origin: germline.
Comment: This sequence change replaces methionine, which is neutral and non-polar, with isoleucine, which is neutral and non-polar, at codon 420 of the SLC2A1 protein (p.Met420Ile). This variant is not present in population databases (gnomAD no frequency). This missense change has been observed in individual(s) with clinical features of GLUT1-deficiency syndrome (internal data). In at least one individual the variant was observed to be de novo. ClinVar contains an entry for this variant (Variation ID: 1447855). Invitae Evidence Modeling of protein sequence and biophysical properties (such as structural, functional, and spatial information, amino acid conservation, physicochemical variation, residue mobility, and thermodynamic stability) has been performed for this missense variant. However, the output from this modeling did not meet the statistical confidence thresholds required to predict the impact of this variant on SLC2A1 protein function. This variant disrupts the p.Met420 amino acid residue in SLC2A1. Other variant(s) that disrupt this residue have been determined to be pathogenic (internal data). This suggests that this residue is clinically significant, and that variants that disrupt this residue are likely to be disease-causing. For these reasons, this variant has been classified as Pathogenic.

Genome-Nilou Lab
Classification: Uncertain significance for Epilepsy, idiopathic generalized, susceptibility to, 12. Last evaluated: 2023-04-11. Review status: criteria provided, single submitter. Criteria: ACMG Guidelines, 2015. Collection method: clinical testing. Allele origin: germline. Affected: no.

Genome-Nilou Lab
Classification: Uncertain significance for Dystonia 9. Last evaluated: 2023-04-11. Review status: criteria provided, single submitter. Criteria: ACMG Guidelines, 2015. Collection method: clinical testing. Allele origin: germline. Affected: no.

Genome-Nilou Lab
Classification: Uncertain significance for Encephalopathy due to GLUT1 deficiency. Last evaluated: 2023-04-11. Review status: criteria provided, single submitter. Criteria: ACMG Guidelines, 2015. Collection method: clinical testing. Allele origin: germline. Affected: no.

Genome-Nilou Lab
Classification: Uncertain significance for Childhood onset GLUT1 deficiency syndrome 2. Last evaluated: 2023-04-11. Review status: criteria provided, single submitter. Criteria: ACMG Guidelines, 2015. Collection method: clinical testing. Allele origin: germline. Affected: no.

Genome-Nilou Lab
Classification: Uncertain significance for Hereditary cryohydrocytosis with reduced stomatin. Last evaluated: 2023-04-11. Review status: criteria provided, single submitter. Criteria: ACMG Guidelines, 2015. Collection method: clinical testing. Allele origin: germline. Affected: no.

NM_006516.4(SLC2A1):c.1260G>A (p.Met420Ile)

Gene: SLC2A1 (solute carrier family 2 member 1; minus strand). Cytogenetic location: 1p34.2.
Variant type: single nucleotide variant.
Coding change: c.1260G>A on transcript NM_006516.4 (MANE Select); coding-DNA position 1260, G replaced by A.
Protein change: p.Met420Ile; replaces methionine 420 with isoleucine.
Molecular consequence: missense variant.
Genome position (GRCh38, 1-based): chr1:42,927,623, C>T on the plus strand (G>A on the coding strand, the complement: SLC2A1 is on the minus strand). VCF-style: chr1-42927623-C-T. GRCh37 (hg19) VCF-style: chr1-43393294-C-T.
Other names: short protein forms M420I.
Identifiers: ClinVar variation 1447855 (VCV001447855.11), dbSNP rs2124446216, ClinGen allele CA339953644.
Genomic context (GRCh38, chr1:42,927,623, plus strand): 5'-GTCATGCGTGCGGGTGAGTATAGAGACAGTGGGGGTTCTCACCTCCACATACTGGAAGCA[C>T]ATGCCCACAATGAAATTTGAGGTCCAGTTGGAGAAGCCTGCAACGGCAATGGCAGCTGGA-3'
Protein context (NP_006507.2, residues 410-430): SNWTSNFIVG[Met420Ile]CFQYVEQLCG